The following is an entry in ClinVar:

ClinVar aggregate classification (germline): Uncertain significance (1 of 4 stars; one submission).

Conditions:
Neurofibromatosis, type 1 (NF1). Also called: Neurofibromatosis, type I; Peripheral type neurofibromatosis; VON RECKLINGHAUSEN DISEASE; NEUROFIBROMATOSIS, TYPE I, SOMATIC. Identifiers: Orphanet 636, MedGen C0027831, MONDO:0018975, OMIM 162200. Disease mechanism: loss of function.

Submission:

Labcorp Genetics (formerly Invitae), Labcorp
Classification: Uncertain significance for Neurofibromatosis, type 1. Last evaluated: 2019-11-07. Review status: criteria provided, single submitter. Criteria: Invitae Variant Classification Sherloc (09022015). Collection method: clinical testing. Allele origin: germline.
Comment: In summary, the available evidence is currently insufficient to determine the role of this variant in disease. Therefore, it has been classified as a Variant of Uncertain Significance. This sequence change replaces threonine with alanine at codon 107 of the NF1 protein (p.Thr107Ala). The threonine residue is moderately conserved and there is a small physicochemical difference between threonine and alanine. This variant is not present in population databases (ExAC no frequency). This variant has not been reported in the literature in individuals with NF1-related conditions. Algorithms developed to predict the effect of missense changes on protein structure and function (SIFT, PolyPhen-2, Align-GVGD) all suggest that this variant is likely to be tolerated, but these predictions have not been confirmed by published functional studies and their clinical significance is uncertain.

NM_001042492.3(NF1):c.319A>G (p.Thr107Ala)

Gene: NF1 (neurofibromin 1; plus strand). Cytogenetic location: 17q11.2.
Variant type: single nucleotide variant.
Coding change: c.319A>G on transcript NM_001042492.3 (MANE Select); coding-DNA position 319, A replaced by G.
Protein change: p.Thr107Ala; replaces threonine 107 with alanine.
Molecular consequence: missense variant.
Genome position (GRCh38, 1-based): chr17:31,163,216, A>G. VCF-style: chr17-31163216-A-G. GRCh37 (hg19) VCF-style: chr17-29490234-A-G.
Other names: c.319A>G, p.Thr107Ala (NM_000267.4, NM_001128147.3); short protein forms T107A.
Identifiers: ClinVar variation 969681 (VCV000969681.6), dbSNP rs2065792343, ClinGen allele CA398981693.